The following is an entry in ClinVar:

ClinVar aggregate classification (germline): Likely pathogenic (1 of 4 stars; one submission).

Conditions:
Retinal disorder. Also called: Retinopathy; Retinopathies; Retinal Diseases; Retinal disorders. Identifiers: MedGen C0035309, MONDO:0005283, HP:0000488.

Submission:

Genetics Laboratory, Great Ormond Street Hospital NHS Foundation Trust, North Thames Genomic Laboratory Hub
Classification: Likely pathogenic for Retinal disorders. Last evaluated: 2026-08-13. Review status: criteria provided, single submitter. Criteria: ACGS Best Practice Guidelines for Variant Classification in Rare Disease 2024 v1.2. Collection method: clinical testing. Allele origin: germline. Affected: yes.
Comment: PS4_supporting, PM2_moderate, PP3_supporting, PM5_moderate, PP2_supporting

NM_021728.4(OTX2):c.259G>C (p.Glu87Gln)

Gene: OTX2 (orthodenticle homeobox 2; minus strand). Cytogenetic location: 14q22.3.
Variant type: single nucleotide variant.
Coding change: c.259G>C on transcript NM_021728.4 (MANE Select); coding-DNA position 259, G replaced by C.
Protein change: p.Glu87Gln; replaces glutamic acid 87 with glutamine.
Molecular consequence: missense variant.
Genome position (GRCh38, 1-based): chr14:56,804,202, C>G on the plus strand (G>C on the coding strand, the complement: OTX2 is on the minus strand). VCF-style: chr14-56804202-C-G. GRCh37 (hg19) VCF-style: chr14-57270920-C-G.
Other names: c.235G>C, p.Glu79Gln (NM_001270523.2, NM_001270524.2, NM_172337.3); c.259G>C, p.Glu87Gln (NM_001270525.2); short protein forms E79Q, E87Q.
Identifiers: ClinVar variation 5016528 (VCV005016528.1).